The following is an entry in ClinVar:

NM_001851.6(COL9A1):c.1414G>A (p.Gly472Ser)

Gene: COL9A1 (collagen type IX alpha 1 chain; minus strand). Cytogenetic location: 6q13.
Variant type: single nucleotide variant.
Coding change: c.1414G>A on transcript NM_001851.6 (MANE Select); coding-DNA position 1414, G replaced by A.
Protein change: p.Gly472Ser; replaces glycine 472 with serine.
Molecular consequence: missense variant. On other transcripts: non-coding transcript variant (1).
Genome position (GRCh38, 1-based): chr6:70,260,692, C>T on the plus strand (G>A on the coding strand, the complement: COL9A1 is on the minus strand). VCF-style: chr6-70260692-C-T. GRCh37 (hg19) VCF-style: chr6-70970395-C-T.
Other names: c.685G>A, p.Gly229Ser (NM_001377289.1, NM_001377290.1, NM_078485.4); short protein forms G472S, G229S.
Identifiers: ClinVar variation 2132894 (VCV002132894.5), dbSNP rs770061874, ClinGen allele CA3882225.

ClinVar aggregate classification (germline): Uncertain significance. Review status: criteria provided, multiple submitters, no conflicts (2 of 4 stars). 2 submissions from 2 submitters: Uncertain significance (2). Last evaluated 2023-06-16.

Allele frequency attached by ClinVar (database versions not stated): gnomAD exomes below 0.00001; ExAC 0.00001.
gnomAD v4.1: 6 of 1,613,870 alleles (0.00037%); highest among the groups gnomAD compares: South Asian, 0.0055%; no homozygotes.

Submissions (2):

Blueprint Genetics
Classification: Uncertain significance. Last evaluated: 2023-06-16. Review status: criteria provided, single submitter. Criteria: ACMG Guidelines, 2015. Collection method: clinical testing. Allele origin: germline.

Labcorp Genetics (formerly Invitae), Labcorp
Classification: Uncertain significance. Last evaluated: 2022-05-03. Review status: criteria provided, single submitter. Criteria: Invitae Variant Classification Sherloc (09022015). Collection method: clinical testing. Allele origin: germline.
Comment: In summary, the available evidence is currently insufficient to determine the role of this variant in disease. Therefore, it has been classified as a Variant of Uncertain Significance. Advanced modeling of protein sequence and biophysical properties (such as structural, functional, and spatial information, amino acid conservation, physicochemical variation, residue mobility, and thermodynamic stability) performed at Invitae indicates that this missense variant is expected to disrupt COL9A1 protein function. This variant has not been reported in the literature in individuals affected with COL9A1-related conditions. This variant is present in population databases (rs770061874, gnomAD 0.01%). This sequence change replaces glycine, which is neutral and non-polar, with serine, which is neutral and polar, at codon 472 of the COL9A1 protein (p.Gly472Ser).